The following is an entry in ClinVar:

NM_001394998.1(TANC2):c.1229C>T (p.Thr410Ile)

Gene: TANC2 (tetratricopeptide repeat, ankyrin repeat and coiled-coil containing 2; plus strand). Cytogenetic location: 17q23.3.
Variant type: single nucleotide variant.
Coding change: c.1229C>T on transcript NM_001394998.1 (MANE Select); coding-DNA position 1229, C replaced by T.
Protein change: p.Thr410Ile; replaces threonine 410 with isoleucine.
Molecular consequence: missense variant.
Genome position (GRCh38, 1-based): chr17:63,314,457, C>T. VCF-style: chr17-63314457-C-T. GRCh37 (hg19) VCF-style: chr17-61391818-C-T.
Other names: c.1007C>T, p.Thr336Ile (NM_001411076.1, NM_025185.4); short protein forms T336I, T410I.
Identifiers: ClinVar variation 2648044 (VCV002648044.24), dbSNP rs1308322956, ClinGen allele CA400794460.
Genomic context (GRCh38, chr17:63,314,457, plus strand): 5'-CACCTTATAGGCCTCCAGATATCTCCTTGAAGCCTCTGCTCTTTGAAGTGCCCAGCATCA[C>T]TACAGAGTCAGTGTTTGTTGGCCGAGATTGGGTTTTCCACGAAATAGATGCTCAACTTCA-3'
Protein context (NP_001381927.1, residues 400-420): KPLLFEVPSI[Thr410Ile]TESVFVGRDW

ClinVar aggregate classification (germline): Uncertain significance (1 of 4 stars; one submission).

Allele frequency attached by ClinVar (database versions not stated): gnomAD exomes below 0.00001.
gnomAD v4.1: 1 of 1,613,942 alleles (0.000062%); highest among the groups gnomAD compares: Non-Finnish European, 0.000085%; no homozygotes.

Submission:

CeGaT Center for Human Genetics Tuebingen
Classification: Uncertain significance. Last evaluated: 2022-11-01. Review status: criteria provided, single submitter. Criteria: CeGaT Center For Human Genetics Tuebingen Variant Classification Criteria Version 2. Collection method: clinical testing. Allele origin: germline. Affected: yes. Observed: 1 variant allele.
Comment: TANC2: PM2